The following is an entry in ClinVar:

NM_001369.3(DNAH5):c.8217G>C (p.Lys2739Asn)

Gene: DNAH5 (dynein axonemal heavy chain 5; minus strand). Cytogenetic location: 5p15.2.
Variant type: single nucleotide variant.
Coding change: c.8217G>C on transcript NM_001369.3 (MANE Select); coding-DNA position 8217, G replaced by C.
Protein change: p.Lys2739Asn; replaces lysine 2739 with asparagine.
Molecular consequence: missense variant.
Genome position (GRCh38, 1-based): chr5:13,793,522, C>G on the plus strand (G>C on the coding strand, the complement: DNAH5 is on the minus strand). VCF-style: chr5-13793522-C-G. GRCh37 (hg19) VCF-style: chr5-13793631-C-G.
Other names: short protein forms K2739N.
Identifiers: ClinVar variation 907553 (VCV000907553.30), dbSNP rs375287005, ClinGen allele CA3202876.

ClinVar aggregate classification (germline): Uncertain significance. Review status: criteria provided, multiple submitters, no conflicts (2 of 4 stars). 4 submissions from 4 submitters: Uncertain significance (4). Last evaluated 2025-08-05.

Conditions:
Primary ciliary dyskinesia. Also called: Ciliary dyskinesia. Identifiers: Orphanet 244, MedGen C0008780, MONDO:0016575, HP:0012265.
Primary ciliary dyskinesia 3. Identifiers: Orphanet 244, MedGen C1837618, MONDO:0012085, OMIM 608644.

Allele frequency attached by ClinVar (database versions not stated): TOPMed 0.00005; ESP Exome Variant Server 0.00023.
gnomAD v4.1: 148 of 1,612,448 alleles (0.0092%); highest among the groups gnomAD compares: South Asian, 0.013%; no homozygotes.

Submissions (4):

Ambry Genetics
Classification: Uncertain significance for Primary ciliary dyskinesia. Last evaluated: 2025-08-05. Review status: criteria provided, single submitter. Criteria: Ambry Variant Classification Scheme 2023. Collection method: clinical testing. Allele origin: germline.

CeGaT Center for Human Genetics Tuebingen
Classification: Uncertain significance. Last evaluated: 2023-12-01. Review status: criteria provided, single submitter. Criteria: CeGaT Center For Human Genetics Tuebingen Variant Classification Criteria Version 2. Collection method: clinical testing. Allele origin: germline. Affected: yes. Observed: 1 variant allele.
Comment: DNAH5: PM2

Labcorp Genetics (formerly Invitae), Labcorp
Classification: Uncertain significance for Primary ciliary dyskinesia. Last evaluated: 2021-09-24. Review status: criteria provided, single submitter. Criteria: Invitae Variant Classification Sherloc (09022015). Collection method: clinical testing. Allele origin: germline.
Comment: This sequence change replaces lysine with asparagine at codon 2739 of the DNAH5 protein (p.Lys2739Asn). The lysine residue is highly conserved and there is a moderate physicochemical difference between lysine and asparagine. This variant is present in population databases (rs375287005, ExAC 0.02%). This variant has not been reported in the literature in individuals with DNAH5-related disease. Algorithms developed to predict the effect of missense changes on protein structure and function (SIFT, PolyPhen-2, Align-GVGD) all suggest that this variant is likely to be disruptive, but these predictions have not been confirmed by published functional studies and their clinical significance is uncertain. In summary, the available evidence is currently insufficient to determine the role of this variant in disease. Therefore, it has been classified as a Variant of Uncertain Significance.

Illumina Laboratory Services, Illumina
Classification: Uncertain significance for Primary ciliary dyskinesia 3. Last evaluated: 2018-01-13. Review status: criteria provided, single submitter. Criteria: ICSL Variant Classification Criteria 13 December 2019. Collection method: clinical testing. Allele origin: germline.